The following is an entry in ClinVar:

NM_001270.4(CHD1):c.657T>G (p.Asp219Glu)

Gene: CHD1 (chromodomain helicase DNA binding protein 1; minus strand). Cytogenetic location: 5q21.1.
Variant type: single nucleotide variant.
Coding change: c.657T>G on transcript NM_001270.4 (MANE Select); coding-DNA position 657, T replaced by G.
Protein change: p.Asp219Glu; replaces aspartic acid 219 with glutamic acid.
Molecular consequence: missense variant. On other transcripts: non-coding transcript variant (2).
Genome position (GRCh38, 1-based): chr5:98,901,013, A>C on the plus strand (T>G on the coding strand, the complement: CHD1 is on the minus strand). VCF-style: chr5-98901013-A-C. GRCh37 (hg19) VCF-style: chr5-98236717-A-C.
Other names: c.657T>G, p.Asp219Glu (NM_001364113.3, NM_001376194.2); short protein forms D219E.
Identifiers: ClinVar variation 2597861 (VCV002597861.4), dbSNP rs371007031, ClinGen allele CA3356507.

ClinVar aggregate classification (germline): Likely benign. Review status: criteria provided, multiple submitters, no conflicts (2 of 4 stars). 2 submissions from 2 submitters: Likely benign (2). Last evaluated 2025-10-31.

Allele frequency attached by ClinVar (database versions not stated): TOPMed 0.00013; gnomAD 0.00010; ESP Exome Variant Server 0.00008.
gnomAD v4.1: 152 of 1,613,440 alleles (0.0094%); highest among the groups gnomAD compares: East Asian, 0.076%; no homozygotes.

Submissions (2):

Dasa
Classification: Likely benign. Last evaluated: 2025-10-31. Review status: criteria provided, single submitter. Criteria: DASA Assertion Criteria. Collection method: clinical testing. Allele origin: germline.
Comment: NM_001270.4(CHD1):c.657T>G (p.Asp219Glu) is a missense variant that results in the substitution of aspartic acid with glutamic acid. Computational prediction algorithms are consistent with a benign effect. Therefore, based on the currently available evidence, this variant is classified as likely benign.

Ambry Genetics
Classification: Likely benign. Last evaluated: 2023-09-12. Review status: criteria provided, single submitter. Criteria: Ambry Variant Classification Scheme 2023. Collection method: clinical testing. Allele origin: germline.